The following is an entry in ClinVar:

NM_002471.4(MYH6):c.4279A>T (p.Ile1427Leu)

Gene: MYH6 (myosin heavy chain 6; minus strand). Cytogenetic location: 14q11.2.
Variant type: single nucleotide variant.
Coding change: c.4279A>T on transcript NM_002471.4 (MANE Select); coding-DNA position 4279, A replaced by T.
Protein change: p.Ile1427Leu; replaces isoleucine 1427 with leucine.
Molecular consequence: missense variant.
Genome position (GRCh38, 1-based): chr14:23,388,235, T>A on the plus strand (A>T on the coding strand, the complement: MYH6 is on the minus strand). VCF-style: chr14-23388235-T-A. GRCh37 (hg19) VCF-style: chr14-23857444-T-A.
Other names: short protein forms I1427L.
Identifiers: ClinVar variation 1315099 (VCV001315099.6), dbSNP rs1194099606, ClinGen allele CA388998975.

ClinVar aggregate classification (germline): Uncertain significance. Review status: criteria provided, multiple submitters, no conflicts (2 of 4 stars). 4 submissions from 4 submitters: Uncertain significance (4). Last evaluated 2026-09-01.

Conditions:
Cardiovascular phenotype. Identifiers: MedGen CN230736.
MYH6-related disorder. Also called: MYH6-Related Disorders; MYH6-related condition.

Allele frequency attached by ClinVar (database versions not stated): gnomAD exomes below 0.00001 and 0.00001; gnomAD 0.00001; TOPMed 0.00001.
gnomAD v4.1: 10 of 1,612,594 alleles (0.00062%); highest among the groups gnomAD compares: African/African-American, 0.0027%; no homozygotes.

Submissions (4):

PreventionGenetics, part of Exact Sciences
Classification: Uncertain significance for MYH6-related condition. Last evaluated: 2026-09-01. Review status: criteria provided, single submitter. Criteria: ACMG Guidelines, 2015. Collection method: clinical testing. Allele origin: germline.
Comment: The MYH6 c.4279A>T variant is predicted to result in the amino acid substitution p.Ile1427Leu. To our knowledge, this variant has not been reported in the literature. This variant is reported in 0.0062% of alleles in individuals of African descent in gnomAD. At this time, the clinical significance of this variant is uncertain due to the absence of conclusive functional and genetic evidence.

Ambry Genetics
Classification: Uncertain significance for Cardiovascular phenotype. Last evaluated: 2025-09-07. Review status: criteria provided, single submitter. Criteria: Ambry Variant Classification Scheme 2023. Collection method: clinical testing. Allele origin: germline.
Comment: The p.I1427L variant (also known as c.4279A>T), located in coding exon 28 of the MYH6 gene, results from an A to T substitution at nucleotide position 4279. The isoleucine at codon 1427 is replaced by leucine, an amino acid with highly similar properties. This amino acid position is conserved. In addition, this alteration is predicted to be tolerated by in silico analysis. Based on the available evidence, the clinical significance of this variant remains unclear.

Blueprint Genetics
Classification: Uncertain significance. Last evaluated: 2021-05-14. Review status: criteria provided, single submitter. Criteria: ACMG Guidelines, 2015. Collection method: clinical testing. Allele origin: germline.

GeneDx
Classification: Uncertain significance. Last evaluated: 2020-01-28. Review status: criteria provided, single submitter. Criteria: GeneDx Variant Classification Process June 2021. Collection method: clinical testing. Allele origin: germline. Affected: yes.
Comment: Has not been previously published as pathogenic or benign to our knowledge; Not observed at a significant frequency in large population cohorts (Lek et al., 2016); In silico analysis, which includes protein predictors and evolutionary conservation, supports that this variant does not alter protein structure/function